The following is an entry in ClinVar:

ClinVar aggregate classification (germline): Likely pathogenic. Review status: criteria provided, multiple submitters, no conflicts (2 of 4 stars). 2 submissions from 2 submitters: Likely pathogenic (2). Last evaluated 2026-04-27.

Conditions:
Succinate-semialdehyde dehydrogenase deficiency (SSADHD). Also called: GABA METABOLIC DEFECT; SSADH DEFICIENCY; Succinic Semialdehyde Dehydrogenase Deficiency; 4-HYDROXYBUTYRIC ACIDURIA. Identifiers: Orphanet 22, MedGen C0268631, MONDO:0010083, OMIM 271980.

Submissions (2):

Department of Molecular Genetics, Istishari Arab Hospital
Classification: Likely pathogenic for Succinate-semialdehyde dehydrogenase deficiency. Last evaluated: 2026-04-27. Review status: criteria provided, single submitter. Criteria: ACMG Guidelines, 2015. Collection method: clinical testing. Allele origin: germline. Inheritance: Autosomal recessive inheritance. Affected: yes.
Comment: The ALDH5A1 variant c.1045C>T, p.Gln349* creates a premature stop codon at position 349 in exon 7 (out of 10 exons). The variant is not observed in the gnomAD v4.1 dataset and, to the best of our knowledge, has not been previously reported in the literature. It is classified as likely pathogenic according to the recommendations of ACMG/AMP/ClinGen SVI guidelines.

Hadassah Hebrew University Medical Center
Classification: Likely pathogenic for Succinate-semialdehyde dehydrogenase deficiency. Last evaluated: 2019-06-20. Review status: criteria provided, single submitter. Criteria: ACMG Guidelines, 2015. Collection method: clinical testing. Allele origin: germline. Inheritance: Autosomal recessive inheritance. Affected: yes.

NM_001080.3(ALDH5A1):c.1045C>T (p.Gln349Ter)

Gene: ALDH5A1 (aldehyde dehydrogenase 5 family member A1; plus strand). Cytogenetic location: 6p22.3.
Variant type: single nucleotide variant.
Coding change: c.1045C>T on transcript NM_001080.3 (MANE Select); coding-DNA position 1045, C replaced by T.
Protein change: p.Gln349Ter; replaces glutamine 349 with a stop codon.
Molecular consequence: nonsense.
Genome position (GRCh38, 1-based): chr6:24,522,797, C>T. VCF-style: chr6-24522797-C-T. GRCh37 (hg19) VCF-style: chr6-24523025-C-T.
Other names: p.Gln349*; c.901C>T, p.Gln301Ter (NM_001368954.1); c.1084C>T, p.Gln362Ter (NM_170740.1); short protein forms Q349*, Q362*, Q301*.
Identifiers: ClinVar variation 804455 (VCV000804455.3), dbSNP rs1581819950, ClinGen allele CA362975905.